The following is an entry in ClinVar:

ClinVar aggregate classification (germline): Uncertain significance (1 of 4 stars; one submission).

Conditions:
Cardiovascular phenotype. Identifiers: MedGen CN230736.

Allele frequency attached by ClinVar (database versions not stated): TOPMed 0.00001.

Submission:

Ambry Genetics
Classification: Uncertain significance for Cardiovascular phenotype. Last evaluated: 2024-10-19. Review status: criteria provided, single submitter. Criteria: Ambry Variant Classification Scheme 2023. Collection method: clinical testing. Allele origin: germline.
Comment: The p.S1008F variant (also known as c.3023C>T), located in coding exon 13 of the MYPN gene, results from a C to T substitution at nucleotide position 3023. The serine at codon 1008 is replaced by phenylalanine, an amino acid with highly dissimilar properties. This amino acid position is conserved. In addition, this alteration is predicted to be tolerated by in silico analysis. Since supporting evidence is limited at this time, the clinical significance of this alteration remains unclear.

NM_032578.4(MYPN):c.3023C>T (p.Ser1008Phe)

Genes: MYPN (myopalladin; plus strand), LOC132089829 (Neanderthal introgressed variant-containing enhancer experimental_16132; plus strand). Cytogenetic location: 10q21.3.
Variant type: single nucleotide variant.
Coding change: c.3023C>T on transcript NM_032578.4 (MANE Select); coding-DNA position 3023, C replaced by T.
Protein change: p.Ser1008Phe; replaces serine 1008 with phenylalanine.
Molecular consequence: missense variant. On other transcripts: non-coding transcript variant (2).
Genome position (GRCh38, 1-based): chr10:68,194,460, C>T. VCF-style: chr10-68194460-C-T. GRCh37 (hg19) VCF-style: chr10-69954217-C-T.
Other names: c.3023C>T, p.Ser1008Phe (NM_001256267.2); c.2141C>T, p.Ser714Phe (NM_001256268.2); short protein forms S714F, S1008F.
Identifiers: ClinVar variation 1798944 (VCV001798944.3), dbSNP rs2043570284, ClinGen allele CA376856097.
Genomic context (GRCh38, chr10:68,194,460, plus strand): 5'-GAAATGAGCACTGCAAAATGAGGCGAGAAGGAGATGGGACATGCTCTCTGCACATTGAAT[C>T]CACTACCAGTGATGACGATGGCAACTACACCATCATGGCAGCCAACCCCCAGGTGGAGAC-3'
Protein context (NP_115967.2, residues 998-1018): GDGTCSLHIE[Ser1008Phe]TTSDDDGNYT